The following is an entry in ClinVar:

ClinVar aggregate classification (germline): Pathogenic/Likely pathogenic. Review status: criteria provided, multiple submitters, no conflicts (2 of 4 stars). 10 submissions from 9 submitters: Pathogenic (5); Likely pathogenic (4). 1 of the submissions does not count toward it. Last evaluated 2025-07-21.

Conditions:
Early-infantile DEE. Also called: Early infantile epileptic encephalopathy with suppression bursts; Early infantile epileptic encephalopathy; Ohtahara syndrome. Identifiers: Orphanet 1934, MedGen C0393706, MONDO:0800491.
SCN8A-related disorder.
Inborn genetic diseases. Identifiers: MedGen C0950123, MeSH D030342.
Developmental and epileptic encephalopathy, 13 (DEE13). Also called: SCN8A-Related Epilepsy; Developmental and Epileptic Encephalopathy (SCN8A-DEE); Early infantile epileptic encephalopathy 13. Identifiers: Orphanet 442835, MedGen C3281191, MONDO:0013801, OMIM 614558.
Cognitive impairment with or without cerebellar ataxia (CIAT). Identifiers: MedGen C3280415, MONDO:0013680, OMIM 614306.

Allele frequency attached by ClinVar (database versions not stated): gnomAD exomes below 0.00001.
gnomAD v4.1: 1 of 1,614,086 alleles (0.000062%); highest among the groups gnomAD compares: African/African-American, 0.0013%; no homozygotes.

Submissions (10):

Labcorp Genetics (formerly Invitae), Labcorp
Classification: Pathogenic for Early-infantile DEE. Last evaluated: 2025-07-21. Review status: criteria provided, single submitter. Criteria: Invitae Variant Classification Sherloc (09022015). Collection method: clinical testing. Allele origin: germline.
Comment: This sequence change replaces alanine, which is neutral and non-polar, with threonine, which is neutral and polar, at codon 1323 of the SCN8A protein (p.Ala1323Thr). This variant is not present in population databases (gnomAD no frequency). This missense change has been observed in individual(s) with clinical features of developmental and epileptic encephalopathy (PMID: 29100083, 33201365; internal data). In at least one individual the variant was observed to be de novo. ClinVar contains an entry for this variant (Variation ID: 195688). Invitae Evidence Modeling of protein sequence and biophysical properties (such as structural, functional, and spatial information, amino acid conservation, physicochemical variation, residue mobility, and thermodynamic stability) indicates that this missense variant is expected to disrupt SCN8A protein function with a positive predictive value of 95%. For these reasons, this variant has been classified as Pathogenic.

Victorian Clinical Genetics Services, Murdoch Childrens Research Institute
Classification: Pathogenic for Developmental and epileptic encephalopathy, 13. Last evaluated: 2023-07-17. Review status: criteria provided, single submitter. Criteria: ACMG Guidelines, 2015. Collection method: clinical testing. Allele origin: germline. Inheritance: Autosomal dominant inheritance. Affected: yes.
Comment: Based on the classification scheme VCGS_Germline_v1.3.4, this variant is classified as Pathogenic. Following criteria are met: 0103 - Loss of function and gain of function are known mechanisms of disease in this gene, and are associated with cognitive impairment with or without cerebellar ataxia (MIM#614306), and developmental and epileptic encephalopathy 13 (MIM#614558), respectively. In addition, gain of function is speculated for benign familial infantile seizures, 5 (MIM#617080) (PMID: 31904124, OMIM). (I) 0107 - This gene is associated with autosomal dominant disease. (I) 0200 - Variant is predicted to result in a missense amino acid change from alanine to threonine. (I) 0251 - This variant is heterozygous. (I) 0301 - Variant is absent from gnomAD (both v2 and v3). (SP) 0501 - Missense variant consistently predicted to be damaging by multiple in silico tools or highly conserved with a major amino acid change. (SP) 0603 - Missense variant in a region that is highly intolerant to missense variation (high constraint region in DECIPHER). (SP) 0703 - Other missense variants comparable to the one identified in this case have moderate previous evidence for pathogenicity. p.(Ala1323Ser) has been classified as likely pathogenic by a clinical laboratory in ClinVar, and has also been classified as pathogenic along with p.(Ala1323Pro) in DECIPHER where both variants were observed as de novo in two separate individuals with microcephaly and developmental delay or intellectual disability. p.(Ala1323Gly) has also been observed as de novo in an individual with DEE (PMID: 34979445). (SP) 0801 - This variant has strong previous evidence of pathogenicity in unrelated individuals. This variant has been classsified as pathogenic or likely pathogenic by multiple clinical laboratories in ClinVar, and has also been observed as de novo in three individuals with seizures and/or developmental delay in the literature (PMIDs: 34979445, 30968951, 29100083). (SP) Legend: (SP) - Supporting pathogenic, (I) - Information, (SB) - Supporting benign

GeneDx
Classification: Pathogenic. Last evaluated: 2023-06-21. Review status: criteria provided, single submitter. Criteria: GeneDx Variant Classification Process June 2021. Collection method: clinical testing. Allele origin: germline. Affected: yes.
Comment: Not observed at significant frequency in large population cohorts (gnomAD); The majority of missense variants in this gene are considered pathogenic; In silico analysis supports that this missense variant has a deleterious effect on protein structure/function; This substitution is predicted to be within the Intracellular loop between the S4 and S5 transmembrane segments of the third homologous domain; This variant is associated with the following publications: (PMID: 29100083, 32090326, 33201365, 35325842, 34979445)

Blueprint Genetics
Classification: Pathogenic for SCN8A-related disorders. Last evaluated: 2023-03-08. Review status: criteria provided, single submitter. Criteria: ACMG Guidelines, 2015. Collection method: clinical testing. Allele origin: de novo. Affected: yes. Observed: 4 variant alleles.

MGZ Medical Genetics Center
Classification: Likely pathogenic for Developmental and epileptic encephalopathy, 13. Last evaluated: 2022-02-14. Review status: criteria provided, single submitter. Criteria: ACMG Guidelines, 2015. Collection method: clinical testing. Allele origin: germline. Affected: yes. Observed: 1 variant allele.
Comment: ACMG criteria applied: PS2_MOD, PS4_SUP, PM2_SUP, PP2, PP3

Institute of Human Genetics, University of Leipzig Medical Center
Classification: Likely pathogenic for Cognitive impairment with or without cerebellar ataxia. Last evaluated: 2019-10-15. Review status: criteria provided, single submitter. Criteria: ACMG Guidelines, 2015. Collection method: clinical testing. Allele origin: germline. Affected: yes.

Institute of Human Genetics, University of Leipzig Medical Center
Classification: Likely pathogenic for Developmental and epileptic encephalopathy, 13. Last evaluated: 2018-12-03. Review status: criteria provided, single submitter. Criteria: ACMG Guidelines, 2015. Collection method: clinical testing. Allele origin: germline. Affected: yes. Observed: 2 variant alleles.

Eurofins Ntd Llc (ga)
Classification: Pathogenic. Last evaluated: 2018-01-30. Review status: criteria provided, single submitter. Criteria: EGL Classification Definitions 2015. Collection method: clinical testing. Allele origin: germline. Observed: 1 variant allele, 1 heterozygote.

Ambry Genetics
Classification: Likely pathogenic for Inborn genetic diseases. Last evaluated: 2018-01-29. Review status: criteria provided, single submitter. Criteria: Ambry Variant Classification Scheme 2023. Collection method: clinical testing. Allele origin: germline.
Comment: The p.A1323T variant (also known as c.3967G>A), located in coding exon 21 of the SCN8A gene, results from a G to A substitution at nucleotide position 3967. The alanine at codon 1323 is replaced by threonine, an amino acid with similar properties. An alternate amino acid substitution at this position, p.A1323S, has been reported as de novo in an individual with early infantile epileptic encephalopathy; however, clinical details were limited (Trump N et al. J. Med. Genet., 2016 May;53:310-7). This amino acid position is highly conserved in available vertebrate species. In addition, this alteration is predicted to be deleterious by in silico analysis. Based on the majority of available evidence to date, this variant is likely to be pathogenic.

Cytogénomique, Hospices Civils de Lyon
Classification: Pathogenic for Developmental and epileptic encephalopathy, 13. Review status: no assertion criteria provided. Collection method: clinical testing. Allele origin: unknown. Inheritance: Autosomal dominant inheritance. Affected: yes. Not counted in ClinVar's aggregate classification.

Literature cited by the submitters: PubMed 29100083 (cited by Labcorp Genetics (formerly Invitae), Labcorp and Victorian Clinical Genetics Services, Murdoch Childrens Research Institute); PubMed 33201365 (cited by Labcorp Genetics (formerly Invitae), Labcorp); PubMed 30968951 (cited by Victorian Clinical Genetics Services, Murdoch Childrens Research Institute); PubMed 31904124 (cited by Victorian Clinical Genetics Services, Murdoch Childrens Research Institute); PubMed 34979445 (cited by Victorian Clinical Genetics Services, Murdoch Childrens Research Institute); PubMed 26993267 (cited by Ambry Genetics).

NM_001330260.2(SCN8A):c.3967G>A (p.Ala1323Thr)

Gene: SCN8A (sodium voltage-gated channel alpha subunit 8; plus strand). Cytogenetic location: 12q13.13.
Variant type: single nucleotide variant.
Coding change: c.3967G>A on transcript NM_001330260.2 (MANE Select); coding-DNA position 3967, G replaced by A.
Protein change: p.Ala1323Thr; replaces alanine 1323 with threonine.
Molecular consequence: missense variant.
Genome position (GRCh38, 1-based): chr12:51,786,566, G>A. VCF-style: chr12-51786566-G-A. GRCh37 (hg19) VCF-style: chr12-52180350-G-A.
Other names: c.3844G>A, p.Ala1282Thr (NM_001177984.3, NM_001369788.1); c.3967G>A, p.Ala1323Thr (NM_014191.4); c.3967G>A (NM_014191.2); short protein forms A1323T, A1282T.
Identifiers: ClinVar variation 195688 (VCV000195688.24), dbSNP rs794727361, ClinGen allele CA242212.